The following is an entry in ClinVar:

NM_014908.4(DOLK):c.1438A>G (p.Ile480Val)

Gene: DOLK (dolichol kinase; minus strand). Cytogenetic location: 9q34.11.
Variant type: single nucleotide variant.
Coding change: c.1438A>G on transcript NM_014908.4 (MANE Select); coding-DNA position 1438, A replaced by G.
Protein change: p.Ile480Val; replaces isoleucine 480 with valine.
Molecular consequence: missense variant.
Genome position (GRCh38, 1-based): chr9:128,945,866, T>C on the plus strand (A>G on the coding strand, the complement: DOLK is on the minus strand). VCF-style: chr9-128945866-T-C. GRCh37 (hg19) VCF-style: chr9-131708145-T-C.
Other names: short protein forms I480V.
Identifiers: ClinVar variation 377266 (VCV000377266.19), dbSNP rs144209926, ClinGen allele CA5271563.
Genomic context (GRCh38, chr9:128,945,866, plus strand): 5'-TTAGGTCCACTCCACTGTCAAAGATTAAGATCAGAGCTACAGAAATGATCTGCGCAAATA[T>C]AGATGTCATGGTCCCCTCAAAAGTCTTTTTGGTTCCAGGCCAGCGGATCTCCCCCATGGT-3'
Protein context (NP_055723.1, residues 470-490): KKTFEGTMTS[Ile480Val]FAQIISVALI

ClinVar aggregate classification (germline): Conflicting classifications of pathogenicity. Review status: criteria provided, conflicting classifications (1 of 4 stars). 5 submissions from 5 submitters: Uncertain significance (3); Likely benign (2). Last evaluated 2025-06-06.

Conditions:
Cardiovascular phenotype. Identifiers: MedGen CN230736.
DK1-congenital disorder of glycosylation. Also called: CDG Im; DK1 DEFICIENCY; DOLICHOL KINASE DEFICIENCY; DK1-CDG; DOLK-congenital disorder of glycosylation; Carbohydrate deficient glycoprotein syndrome type 1m. Identifiers: Orphanet 91131, MedGen C1835849, MONDO:0012556, OMIM 610768.

Allele frequency attached by ClinVar (database versions not stated): ESP Exome Variant Server 0.00008; ExAC 0.00010; gnomAD 0.00014 and 0.00015; gnomAD exomes 0.00014 and 0.00018; 1000 Genomes Project 30x 0.00016; TOPMed 0.00017; 1000 Genomes Project 0.00020.

Submissions (5):

Ambry Genetics
Classification: Likely benign for Cardiovascular phenotype. Last evaluated: 2025-06-06. Review status: criteria provided, single submitter. Criteria: Ambry Variant Classification Scheme 2023. Collection method: clinical testing. Allele origin: germline.

Molecular Diagnostic Laboratory for Inherited Cardiovascular Disease, Montreal Heart Institute
Classification: Likely benign. Last evaluated: 2025-04-09. Review status: criteria provided, single submitter. Criteria: ACMG Guidelines, 2015. Collection method: clinical testing. Allele origin: germline. Affected: no.
Comment: BS1;BP4

Clinical Genomics Laboratory, Washington University in St. Louis
Classification: Uncertain significance for DK1-congenital disorder of glycosylation. Last evaluated: 2025-01-21. Review status: criteria provided, single submitter. Criteria: ACMG Guidelines, 2015. Collection method: clinical testing. Allele origin: germline.
Comment: The DOLK c.1438A>G (p.Ile480Val) variant, to our knowledge, has not been reported in the medical literature. This variant has been reported in the ClinVar database as a germline variant of uncertain significance by three submitters (Variation ID: 377266). The highest population minor allele frequency in the population database genome aggregation database (v.2.1.1) is 0.025% in an admixed American population. Computational predictors suggest that the variant does not impact DOLK function. Due to limited information, and based on ACMG/AMP guidelines for variant interpretation (Richards S et al., PMID: 25741868), the clinical significance of the DOLK c.1438A>G (p.Ile480Val) variant is uncertain at this time.

Labcorp Genetics (formerly Invitae), Labcorp
Classification: Uncertain significance for DK1-congenital disorder of glycosylation. Last evaluated: 2022-08-07. Review status: criteria provided, single submitter. Criteria: Invitae Variant Classification Sherloc (09022015). Collection method: clinical testing. Allele origin: germline.
Comment: This sequence change replaces isoleucine, which is neutral and non-polar, with valine, which is neutral and non-polar, at codon 480 of the DOLK protein (p.Ile480Val). This variant is present in population databases (rs144209926, gnomAD 0.03%). This variant has not been reported in the literature in individuals affected with DOLK-related conditions. ClinVar contains an entry for this variant (Variation ID: 377266). Algorithms developed to predict the effect of missense changes on protein structure and function (SIFT, PolyPhen-2, Align-GVGD) all suggest that this variant is likely to be tolerated. In summary, the available evidence is currently insufficient to determine the role of this variant in disease. Therefore, it has been classified as a Variant of Uncertain Significance.

Center for Pediatric Genomic Medicine, Children's Mercy Hospital and Clinics
Classification: Uncertain significance. Last evaluated: 2016-06-30. Review status: criteria provided, single submitter. Criteria: ACMG Guidelines, 2015. Collection method: clinical testing. Allele origin: germline.
ClinVar note: Converted during submission from Uncertain Significance to Uncertain significance.